The following is an entry in ClinVar:

NM_001374736.1(DST):c.19984G>A (p.Glu6662Lys)

Gene: DST (dystonin; minus strand). Cytogenetic location: 6p12.1.
Variant type: single nucleotide variant.
Coding change: c.19984G>A on transcript NM_001374736.1 (MANE Select); coding-DNA position 19984, G replaced by A.
Protein change: p.Glu6662Lys; replaces glutamic acid 6662 with lysine.
Molecular consequence: missense variant.
Genome position (GRCh38, 1-based): chr6:56,497,966, C>T on the plus strand (G>A on the coding strand, the complement: DST is on the minus strand). VCF-style: chr6-56497966-C-T. GRCh37 (hg19) VCF-style: chr6-56362764-C-T.
Other names: c.13627G>A, p.Glu4543Lys (NM_001144769.5); c.13213G>A, p.Glu4405Lys (NM_001144770.2); c.19984G>A, p.Glu6662Lys (NM_001374722.1); c.19024G>A, p.Glu6342Lys (NM_001374729.1); c.12766G>A, p.Glu4256Lys (NM_001374730.1); c.20011G>A, p.Glu6671Lys (NM_001374734.1); c.13093G>A, p.Glu4365Lys (NM_001386100.1, NM_183380.4); c.12115G>A, p.Glu4039Lys (NM_015548.5); short protein forms E4039K, E6342K, E4365K, E4543K, E6662K, E4256K, E6671K, E4405K.
Identifiers: ClinVar variation 1520522 (VCV001520522.6), dbSNP rs370376181, ClinGen allele CA3866864.
Genomic context (GRCh38, chr6:56,497,966, plus strand): 5'-AAACATTTTGCCAGCGTTGATTTAAAACCTCTAGCTTGTTCTGAAGGTTGCTTGCTTCTT[C>T]TCCTGCACTTGATTCAATTAGATCATTTCCTGCTTTATTAACGGCTTCCACTGTGGACTG-3'
Protein context (NP_001361665.1, residues 6652-6672): GNDLIESSAG[Glu6662Lys]EASNLQNKLE

ClinVar aggregate classification (germline): Uncertain significance (1 of 4 stars; one submission).

Conditions:
Hereditary sensory and autonomic neuropathy type 6. Also called: HSAN VI; Neuropathy, hereditary sensory and autonomic, type VI. Identifiers: Orphanet 314381, MedGen C3539003, MONDO:0013839, OMIM 614653.
Epidermolysis bullosa simplex 3, localized or generalized intermediate, with BP230 deficiency (EBS3). Also called: Epidermolysis bullosa simplex due to BP230 deficiency; Epidermolysis bullosa simplex, autosomal recessive 2. Identifiers: Orphanet 412181, MedGen C3809470, MONDO:0014180, OMIM 615425.

Allele frequency attached by ClinVar (database versions not stated): TOPMed below 0.00001; ExAC 0.00001; gnomAD 0.00001; ESP Exome Variant Server 0.00008.
gnomAD v4.1: 1 of 1,613,410 alleles (0.000062%); highest among the groups gnomAD compares: Non-Finnish European, 0.000085%; no homozygotes.

Submission:

Labcorp Genetics (formerly Invitae), Labcorp
Classification: Uncertain significance for Epidermolysis bullosa simplex 3, localized or generalized intermediate, with BP230 deficiency; Hereditary sensory and autonomic neuropathy type 6. Last evaluated: 2020-12-08. Review status: criteria provided, single submitter. Criteria: Invitae Variant Classification Sherloc (09022015). Collection method: clinical testing. Allele origin: germline.
Comment: In summary, the available evidence is currently insufficient to determine the role of this variant in disease. Therefore, it has been classified as a Variant of Uncertain Significance. Experimental studies and prediction algorithms are not available or were not evaluated, and the functional significance of this variant is currently unknown. This variant has not been reported in the literature in individuals with DST-related conditions. This variant is present in population databases (rs370376181, ExAC 0.001%). This sequence change replaces glutamic acid with lysine at codon 4039 of the DST protein (p.Glu4039Lys). The DST gene has multiple clinically relevant transcripts. This variant occurs in alternate transcript NM_015548.4, and corresponds to NM_001723.5:c.*117551G>A in the primary transcript.